The following is an entry in ClinVar:

ClinVar aggregate classification (germline): Conflicting classifications of pathogenicity. Review status: criteria provided, conflicting classifications (1 of 4 stars). 2 submissions from 2 submitters: Uncertain significance (1); Likely benign (1). Last evaluated 2026-01-28.

Conditions:
Autosomal recessive limb-girdle muscular dystrophy type 2J (LGMDR10). Also called: Limb-girdle muscular dystrophy, type 2J; MUSCULAR DYSTROPHY, LIMB-GIRDLE, AUTOSOMAL RECESSIVE 10. Identifiers: Orphanet 140922, MedGen C1837342, MONDO:0012127, OMIM 608807.
Dilated cardiomyopathy 1G (CMD1G). Identifiers: Orphanet 154, MedGen C1858763, MONDO:0011400, OMIM 604145.

Submissions (2):

Labcorp Genetics (formerly Invitae), Labcorp
Classification: Likely benign for Dilated cardiomyopathy 1G; Autosomal recessive limb-girdle muscular dystrophy type 2J. Last evaluated: 2026-01-28. Review status: criteria provided, single submitter. Criteria: Invitae Variant Classification Sherloc (09022015). Collection method: clinical testing. Allele origin: germline.

CeGaT Center for Human Genetics Tuebingen
Classification: Uncertain significance. Last evaluated: 2023-10-01. Review status: criteria provided, single submitter. Criteria: CeGaT Center For Human Genetics Tuebingen Variant Classification Criteria Version 2. Collection method: clinical testing. Allele origin: germline. Affected: yes. Observed: 1 variant allele.
Comment: TTN: PM2, BP4

NM_001267550.2(TTN):c.32806+7T>G

Gene: TTN (titin; minus strand). Cytogenetic location: 2q31.2.
Variant type: single nucleotide variant.
Coding change: c.32806+7T>G on transcript NM_001267550.2 (MANE Select); 7 bases into the intron after coding-DNA position 32806, T replaced by G.
Molecular consequence: intron variant.
Genome position (GRCh38, 1-based): chr2:178,683,992, A>C on the plus strand (T>G on the coding strand, the complement: TTN is on the minus strand). VCF-style: chr2-178683992-A-C. GRCh37 (hg19) VCF-style: chr2-179548719-A-C.
Other names: c.13283-41675T>G (NM_003319.4); c.13859-41675T>G (NM_133437.4); c.13658-41675T>G (NM_133432.3); c.29074+7T>G (NM_133378.4); c.31855+7T>G (NM_001256850.1).
Identifiers: ClinVar variation 2651669 (VCV002651669.25), dbSNP rs745453087, ClinGen allele CA2662145336.
Genomic context (GRCh38, chr2:178,683,992, plus strand): 5'-CACTAGATTAGTTTTAGTGTCTGGATGCTTATTTTGATTTTTTTTTTTTTTTTAAGAGTC[A>C]GTATACCTTTAGCTGGTGGTTCCTCCTCTCTTTTAGGTTTGAGTTTCAGAACTTTTTCTT-3'